The following is an entry in ClinVar:

ClinVar aggregate classification (germline): Uncertain significance (1 of 4 stars; one submission).

Submission:

GeneDx
Classification: Uncertain significance. Last evaluated: 2025-04-28. Review status: criteria provided, single submitter. Criteria: GeneDx Variant Classification Process June 2021. Collection method: clinical testing. Allele origin: germline. Affected: yes.
Comment: Not observed at significant frequency in large population cohorts (gnomAD); In silico analysis indicates that this missense variant does not alter protein structure/function; Has not been previously published as pathogenic or benign to our knowledge

NM_006946.4(SPTBN2):c.5772T>A (p.Asp1924Glu)

Gene: SPTBN2 (spectrin beta, non-erythrocytic 2; minus strand). Cytogenetic location: 11q13.2.
Variant type: single nucleotide variant.
Coding change: c.5772T>A on transcript NM_006946.4 (MANE Select); coding-DNA position 5772, T replaced by A.
Protein change: p.Asp1924Glu; replaces aspartic acid 1924 with glutamic acid.
Molecular consequence: missense variant.
Genome position (GRCh38, 1-based): chr11:66,690,077, A>T on the plus strand (T>A on the coding strand, the complement: SPTBN2 is on the minus strand). VCF-style: chr11-66690077-A-T. GRCh37 (hg19) VCF-style: chr11-66457548-A-T.
Other names: c.5793T>A, p.Asp1931Glu (NM_001411025.1); c.5772T>A, p.Asp1924Glu (NM_001437541.1); short protein forms D1924E, D1931E.
Identifiers: ClinVar variation 4527546 (VCV004527546.1).